The following is an entry in ClinVar:

NM_003126.4(SPTA1):c.557T>C (p.Leu186Pro)

Gene: SPTA1 (spectrin alpha, erythrocytic 1; minus strand). Cytogenetic location: 1q23.1.
Variant type: single nucleotide variant.
Coding change: c.557T>C on transcript NM_003126.4 (MANE Select); coding-DNA position 557, T replaced by C.
Protein change: p.Leu186Pro; replaces leucine 186 with proline.
Molecular consequence: missense variant.
Genome position (GRCh38, 1-based): chr1:158,680,704, A>G on the plus strand (T>C on the coding strand, the complement: SPTA1 is on the minus strand). VCF-style: chr1-158680704-A-G. GRCh37 (hg19) VCF-style: chr1-158650494-A-G.
Other names: p.Leu186Pro; short protein forms L186P.
Identifiers: ClinVar variation 4541746 (VCV004541746.1).

ClinVar aggregate classification (germline): Uncertain significance (1 of 4 stars; one submission).

Submission:

Mayo Clinic Laboratories, Mayo Clinic
Classification: Uncertain significance. Last evaluated: 2025-08-27. Review status: criteria provided, single submitter. Criteria: ACMG Guidelines, 2015. Collection method: clinical testing. Allele origin: germline. Observed: 1 variant allele.
Comment: PM2_supporting